The following is an entry in ClinVar:

NM_001184900.3(CARD8):c.1484G>A (p.Arg495Gln)

Gene: CARD8 (caspase recruitment domain family member 8; minus strand). Cytogenetic location: 19q13.33.
Variant type: single nucleotide variant.
Coding change: c.1484G>A on transcript NM_001184900.3 (MANE Select); coding-DNA position 1484, G replaced by A.
Protein change: p.Arg495Gln; replaces arginine 495 with glutamine.
Molecular consequence: missense variant. On other transcripts: 3 prime UTR variant (7), non-coding transcript variant (3), intron variant (1).
Genome position (GRCh38, 1-based): chr19:48,211,840, C>T on the plus strand (G>A on the coding strand, the complement: CARD8 is on the minus strand). VCF-style: chr19-48211840-C-T. GRCh37 (hg19) VCF-style: chr19-48715097-C-T.
Other names: c.1334G>A, p.Arg445Gln (NM_001184901.1, NM_001351783.2, NM_014959.5); c.*163G>A (NM_001184902.2, NM_001184903.1, NM_001351788.2 and 4 more transcripts); c.1484G>A, p.Arg495Gln (NM_001351782.2); c.1169G>A, p.Arg390Gln (NM_001351784.2); c.1148G>A, p.Arg383Gln (NM_001351786.2); c.1166G>A, p.Arg389Gln (NM_001365950.1); c.1033+3500G>A (NM_001351787.2); c.1484G>A (NM_001184900.1); short protein forms R495Q, R390Q, R383Q, R389Q, R445Q.
Identifiers: ClinVar variation 1401943 (VCV001401943.10), dbSNP rs149162452, ClinGen allele CA9547681.

ClinVar aggregate classification (germline): Uncertain significance. Review status: criteria provided, multiple submitters, no conflicts (2 of 4 stars). 3 submissions from 3 submitters: Uncertain significance (3). Last evaluated 2025-10-09.

Allele frequency attached by ClinVar (database versions not stated): gnomAD exomes 0.00004 and 0.00013; ESP Exome Variant Server 0.00008; ExAC 0.00012; 1000 Genomes Project 30x 0.00016; 1000 Genomes Project 0.00020; gnomAD 0.00030 and 0.00031; TOPMed 0.00036.

Submissions (3):

Labcorp Genetics (formerly Invitae), Labcorp
Classification: Uncertain significance. Last evaluated: 2025-10-09. Review status: criteria provided, single submitter. Criteria: Invitae Variant Classification Sherloc (09022015). Collection method: clinical testing. Allele origin: germline.
Comment: This sequence change replaces arginine, which is basic and polar, with glutamine, which is neutral and polar, at codon 445 of the CARD8 protein (p.Arg445Gln). This variant is present in population databases (rs149162452, gnomAD 0.09%), and has an allele count higher than expected for a pathogenic variant. This variant has not been reported in the literature in individuals affected with CARD8-related conditions. ClinVar contains an entry for this variant (Variation ID: 1401943). An algorithm developed to predict the effect of missense changes on protein structure and function outputs the following: PolyPhen-2: "Benign". The glutamine amino acid residue is found in multiple mammalian species, which suggests that this missense change does not adversely affect protein function. In summary, the available evidence is currently insufficient to determine the role of this variant in disease. Therefore, it has been classified as a Variant of Uncertain Significance.

Ambry Genetics
Classification: Uncertain significance. Last evaluated: 2021-09-01. Review status: criteria provided, single submitter. Criteria: Ambry Variant Classification Scheme 2023. Collection method: clinical testing. Allele origin: germline.

Breakthrough Genomics
Classification: Uncertain significance. Review status: criteria provided, single submitter. Criteria: ACMG Guidelines, 2015. Collection method: not provided. Allele origin: germline. Inheritance: Autosomal dominant inheritance. Affected: yes.